The following is an entry in ClinVar:

NM_001164508.2(NEB):c.8374-3T>C

Gene: NEB (nebulin; minus strand). Cytogenetic location: 2q23.3.
Variant type: single nucleotide variant.
Coding change: c.8374-3T>C on transcript NM_001164508.2 (MANE Select); 3 bases into the intron before coding-DNA position 8374, T replaced by C.
Molecular consequence: intron variant.
Genome position (GRCh38, 1-based): chr2:151,640,669, A>G on the plus strand (T>C on the coding strand, the complement: NEB is on the minus strand). VCF-style: chr2-151640669-A-G. GRCh37 (hg19) VCF-style: chr2-152497183-A-G.
Other names: c.8374-3T>C (NM_004543.5, NM_001164507.2, NM_001271208.2).
Identifiers: ClinVar variation 1377479 (VCV001377479.3), dbSNP rs2154105691, ClinGen allele CA2573133463.

ClinVar aggregate classification (germline): Uncertain significance (1 of 4 stars; one submission).

Conditions:
Nemaline myopathy 2 (NEM2). Also called: Nemaline myopathy 2, autosomal recessive. Identifiers: MedGen C1850569, MONDO:0009725, OMIM 256030.

Submission:

Labcorp Genetics (formerly Invitae), Labcorp
Classification: Uncertain significance for Nemaline myopathy 2. Last evaluated: 2022-03-08. Review status: criteria provided, single submitter. Criteria: Invitae Variant Classification Sherloc (09022015). Collection method: clinical testing. Allele origin: germline.
Comment: This sequence change falls in intron 60 of the NEB gene. It does not directly change the encoded amino acid sequence of the NEB protein. It affects a nucleotide within the consensus splice site. This variant is not present in population databases (gnomAD no frequency). This variant has not been reported in the literature in individuals affected with NEB-related conditions. Variants that disrupt the consensus splice site are a relatively common cause of aberrant splicing (PMID: 17576681, 9536098). Experimental studies and prediction algorithms are not available or were not evaluated, and the effect of this variant on mRNA splicing is currently unknown. In summary, the available evidence is currently insufficient to determine the role of this variant in disease. Therefore, it has been classified as a Variant of Uncertain Significance.

Literature cited by the submitters: PubMed 17576681; PubMed 9536098.